The following is an entry in ClinVar:

NM_000548.5(TSC2):c.4395C>T (p.Asp1465=)

Gene: TSC2 (TSC complex subunit 2; plus strand). Cytogenetic location: 16p13.3.
Variant type: single nucleotide variant.
Coding change: c.4395C>T on transcript NM_000548.5 (MANE Select); coding-DNA position 4395, C replaced by T.
Protein change: p.Asp1465=; no amino-acid change (aspartic acid 1465 retained).
Molecular consequence: synonymous variant.
Genome position (GRCh38, 1-based): chr16:2,084,617, C>T. VCF-style: chr16-2084617-C-T. GRCh37 (hg19) VCF-style: chr16-2134618-C-T.
Other names: c.4395C>T (NM_000548.3); c.4266C>T, p.Asp1422= (NM_021055.3, NM_001370405.1); c.4194C>T, p.Asp1398= (NM_001077183.3); c.4326C>T, p.Asp1442= (NM_001114382.3); c.4086C>T, p.Asp1362= (NM_001318827.2); c.4050C>T, p.Asp1350= (NM_001318829.2); c.3663C>T, p.Asp1221= (NM_001318831.2); c.4227C>T, p.Asp1409= (NM_001318832.2); and 2 more.
Identifiers: ClinVar variation 1103727 (VCV001103727.11), dbSNP rs2151535121, ClinGen allele CA493043316.

ClinVar aggregate classification (germline): Benign/Likely benign. Review status: criteria provided, multiple submitters, no conflicts (2 of 4 stars). 3 submissions from 3 submitters: Benign (1); Likely benign (2). Last evaluated 2026-01-11.

Conditions:
Hereditary cancer-predisposing syndrome. Also called: Neoplastic Syndromes, Hereditary; Hereditary neoplastic syndrome; Hereditary Cancer Syndrome; Tumor predisposition. Identifiers: Orphanet 140162, MedGen C0027672, MeSH D009386, MONDO:0015356.
Tuberous sclerosis 2 (TSC2). Identifiers: Orphanet 805, MedGen C1860707, MONDO:0013199, OMIM 613254.

gnomAD v4.1: 2 of 1,601,888 alleles (0.00012%); highest among the groups gnomAD compares: Non-Finnish European, 0.00017%; no homozygotes.

Submissions (3):

Labcorp Genetics (formerly Invitae), Labcorp
Classification: Likely benign for Tuberous sclerosis 2. Last evaluated: 2026-01-11. Review status: criteria provided, single submitter. Criteria: Invitae Variant Classification Sherloc (09022015). Collection method: clinical testing. Allele origin: germline.

Myriad Genetics, Inc.
Classification: Benign for Tuberous sclerosis 2. Last evaluated: 2025-06-03. Review status: criteria provided, single submitter. Criteria: Myriad Autosomal Dominant, Autosomal Recessive and X-Linked Classification Criteria (2023). Collection method: clinical testing. Allele origin: unknown.
Comment: This variant is considered benign. This variant is a silent/synonymous amino acid change and it is not expected to impact splicing.

Ambry Genetics
Classification: Likely benign for Hereditary cancer-predisposing syndrome. Last evaluated: 2024-01-03. Review status: criteria provided, single submitter. Criteria: Ambry Variant Classification Scheme 2023. Collection method: clinical testing. Allele origin: germline.